The following is an entry in ClinVar:

ClinVar aggregate classification (germline): Benign/Likely benign. Review status: criteria provided, multiple submitters, no conflicts (2 of 4 stars). 7 submissions from 7 submitters: Benign (1); Likely benign (6). Last evaluated 2026-09-01.

Conditions:
Perlman syndrome (PRLMNS). Identifiers: Orphanet 2849, MedGen C0796113, MONDO:0009965, OMIM 267000.

Allele frequency attached by ClinVar (database versions not stated): 1000 Genomes Project 30x 0.00078; 1000 Genomes Project 0.00100; gnomAD 0.00232 and 0.00242; TOPMed 0.00254; gnomAD exomes 0.00280; ESP Exome Variant Server 0.00335; ExAC 0.00384.
gnomAD v4.1: 6,655 of 1,608,166 alleles (0.41%); highest among the groups gnomAD compares: Non-Finnish European, 0.51%; 8 homozygotes.

Submissions (7):

CeGaT Center for Human Genetics Tuebingen
Classification: Likely benign. Last evaluated: 2026-09-01. Review status: criteria provided, single submitter. Criteria: CeGaT Center For Human Genetics Tuebingen Variant Classification Criteria Version 2. Collection method: clinical testing. Allele origin: germline. Affected: yes. Observed: 54 variant alleles.
Comment: DIS3L2: BP4, BP7

Labcorp Genetics (formerly Invitae), Labcorp
Classification: Benign for Perlman syndrome. Last evaluated: 2026-01-27. Review status: criteria provided, single submitter. Criteria: Invitae Variant Classification Sherloc (09022015). Collection method: clinical testing. Allele origin: germline.

Blueprint Genetics
Classification: Likely benign. Last evaluated: 2024-11-13. Review status: criteria provided, single submitter. Criteria: ACMG Guidelines, 2015. Collection method: clinical testing. Allele origin: germline.

Genetic Services Laboratory, University of Chicago
Classification: Likely benign. Last evaluated: 2021-08-19. Review status: criteria provided, single submitter. Criteria: ACMG Guidelines, 2015. Collection method: clinical testing. Allele origin: germline. Affected: no.

GeneDx
Classification: Likely benign. Last evaluated: 2021-04-19. Review status: criteria provided, single submitter. Criteria: GeneDx Variant Classification Process June 2021. Collection method: clinical testing. Allele origin: germline. Affected: yes.

Sema4
Classification: Likely benign for Perlman syndrome. Last evaluated: 2021-01-07. Review status: criteria provided, single submitter. Criteria: Sema4 Curation Guidelines. Collection method: curation. Allele origin: germline.

Illumina Laboratory Services, Illumina
Classification: Likely benign for Perlman syndrome. Last evaluated: 2018-01-13. Review status: criteria provided, single submitter. Criteria: ICSL Variant Classification Criteria 13 December 2019. Collection method: clinical testing. Allele origin: germline.
Comment: This variant was observed in the ICSL laboratory as part of a predisposition screen in an ostensibly healthy population. It had not been previously curated by ICSL or reported in the Human Gene Mutation Database (HGMD: prior to June 1st, 2018), and was therefore a candidate for classification through an automated scoring system. Utilizing variant allele frequency, disease prevalence and penetrance estimates, and inheritance mode, an automated score was calculated to assess if this variant is too frequent to cause the disease. Based on the score and internal cut-off values, a variant classified as likely benign is not then subjected to further curation. The score for this variant resulted in a classification of likely benign for this disease.

NM_152383.5(DIS3L2):c.2370C>T (p.Gly790=)

Gene: DIS3L2 (DIS3 like 3'-5' exoribonuclease 2; plus strand). Cytogenetic location: 2q37.1.
Variant type: single nucleotide variant.
Coding change: c.2370C>T on transcript NM_152383.5 (MANE Select); coding-DNA position 2370, C replaced by T.
Protein change: p.Gly790=; no amino-acid change (glycine 790 retained).
Molecular consequence: synonymous variant. On other transcripts: non-coding transcript variant (2), intron variant (1).
Genome position (GRCh38, 1-based): chr2:232,334,711, C>T. VCF-style: chr2-232334711-C-T. GRCh37 (hg19) VCF-style: chr2-233199421-C-T.
Other names: c.1582-8634C>T (NM_001257281.2).
Identifiers: ClinVar variation 241975 (VCV000241975.54), dbSNP rs199541622, ClinGen allele CA2164514.